The following is an entry in ClinVar:

NM_000558.5(HBA1):c.83A>C (p.Glu28Ala)

Genes: HBA1 (hemoglobin subunit alpha 1; plus strand), LOC106804613 (hemoglobin subunit alpha 1 recombination region; plus strand). Cytogenetic location: 16p13.3.
Variant type: single nucleotide variant.
Coding change: c.83A>C on transcript NM_000558.5 (MANE Select); coding-DNA position 83, A replaced by C.
Protein change: p.Glu28Ala; replaces glutamic acid 28 with alanine.
Molecular consequence: missense variant.
Genome position (GRCh38, 1-based): chr16:176,799, A>C. VCF-style: chr16-176799-A-C. GRCh37 (hg19) VCF-style: chr16-226798-A-C.
Other names: short protein forms E28A.
Identifiers: ClinVar variation 5007946 (VCV005007946.1).

ClinVar aggregate classification (germline): Uncertain significance (1 of 4 stars; one submission).

Submission:

GeneDx
Classification: Uncertain significance. Last evaluated: 2026-02-15. Review status: criteria provided, single submitter. Criteria: GeneDx Variant Classification Process June 2021. Collection method: clinical testing. Allele origin: germline.
Comment: Not observed at significant frequency in large population cohorts (gnomAD); In silico analysis supports that this missense variant has a deleterious effect on protein structure/function; Has not been previously published as pathogenic or benign to our knowledge